The following is an entry in ClinVar:

NM_001134407.3(GRIN2A):c.483C>G (p.Ile161Met)

Gene: GRIN2A (glutamate ionotropic receptor NMDA type subunit 2A; minus strand). Cytogenetic location: 16p13.2.
Variant type: single nucleotide variant.
Coding change: c.483C>G on transcript NM_001134407.3 (MANE Select); coding-DNA position 483, C replaced by G.
Protein change: p.Ile161Met; replaces isoleucine 161 with methionine.
Molecular consequence: missense variant.
Genome position (GRCh38, 1-based): chr16:9,938,483, G>C on the plus strand (C>G on the coding strand, the complement: GRIN2A is on the minus strand). VCF-style: chr16-9938483-G-C. GRCh37 (hg19) VCF-style: chr16-10032340-G-C.
Other names: c.483C>G, p.Ile161Met (NM_000833.5, NM_001134408.2); short protein forms I161M.
Identifiers: ClinVar variation 2802167 (VCV002802167.3), dbSNP rs182751705, ClinGen allele CA7896942.

ClinVar aggregate classification (germline): Uncertain significance (1 of 4 stars; one submission).

Conditions:
Landau-Kleffner syndrome (FESD). Also called: EPILEPSY, FOCAL, WITH SPEECH DISORDER AND WITH OR WITHOUT MENTAL RETARDATION; APHASIA, ACQUIRED, WITH EPILEPSY. Identifiers: Orphanet 1945, Orphanet 725, Orphanet 98818, MedGen C0282512, MONDO:0009509, OMIM 245570.

Allele frequency attached by ClinVar (database versions not stated): ExAC 0.00001; gnomAD 0.00001; gnomAD exomes 0.00001; 1000 Genomes Project 30x 0.00016; 1000 Genomes Project 0.00020.
gnomAD v4.1: 14 of 1,613,112 alleles (0.00087%); highest among the groups gnomAD compares: Non-Finnish European, 0.0011%; no homozygotes.

Submission:

Labcorp Genetics (formerly Invitae), Labcorp
Classification: Uncertain significance for Landau-Kleffner syndrome. Last evaluated: 2023-09-10. Review status: criteria provided, single submitter. Criteria: Invitae Variant Classification Sherloc (09022015). Collection method: clinical testing. Allele origin: germline.
Comment: This sequence change replaces isoleucine, which is neutral and non-polar, with methionine, which is neutral and non-polar, at codon 161 of the GRIN2A protein (p.Ile161Met). This variant is present in population databases (rs182751705, gnomAD 0.0009%). This variant has not been reported in the literature in individuals affected with GRIN2A-related conditions. Advanced modeling of protein sequence and biophysical properties (such as structural, functional, and spatial information, amino acid conservation, physicochemical variation, residue mobility, and thermodynamic stability) has been performed at Invitae for this missense variant, however the output from this modeling did not meet the statistical confidence thresholds required to predict the impact of this variant on GRIN2A protein function. In summary, the available evidence is currently insufficient to determine the role of this variant in disease. Therefore, it has been classified as a Variant of Uncertain Significance.